The following is an entry in ClinVar:

ClinVar aggregate classification (germline): Uncertain significance. Review status: criteria provided, multiple submitters, no conflicts (2 of 4 stars). 6 submissions from 6 submitters: Uncertain significance (6). Last evaluated 2026-08-06.

Conditions:
Inborn genetic diseases. Identifiers: MedGen C0950123, MeSH D030342.
Lethal Kniest-like syndrome (DDSH). Also called: Dyssegmental Dysplasia. Identifiers: Orphanet 1865, MedGen C1857100, MONDO:0009140, OMIM 224410.

Allele frequency attached by ClinVar (database versions not stated): gnomAD 0.00004 and 0.00005; 1000 Genomes Project 30x 0.00016; gnomAD exomes 0.00002; TOPMed 0.00012; 1000 Genomes Project 0.00020; ExAC 0.00001.
gnomAD v4.1: 31 of 1,613,336 alleles (0.0019%); highest among the groups gnomAD compares: Admixed American, 0.032%; no homozygotes.

Submissions (6):

OLLIN Analises Genomicas, OLLIN
Classification: Uncertain significance for Lethal Kniest-like syndrome. Last evaluated: 2026-08-06. Review status: criteria provided, single submitter. Criteria: ACMG Guidelines 2015 PMID 25741868. Collection method: clinical testing. Allele origin: germline. Inheritance: Autosomal recessive inheritance.
Comment: This missense variant, located in exon 23 (of 97), has been reported in ClinVar (accession VCV000439809.14) and in gnomAD with an allele frequency of 0.0019%. However, to our knowledge, it has not been reported in the scientific literature. In silico analysis predicts that this variant has a deleterious effect. This gene has high tolerance to missense variation. According to the currently available evidence, this variant has been classified as uncertain significance (PM2_P, PP3, BP1).

Athena Diagnostics
Classification: Uncertain significance. Last evaluated: 2024-09-18. Review status: criteria provided, single submitter. Criteria: Athena Diagnostics Criteria. Collection method: clinical testing. Allele origin: unknown.
Comment: Available data are insufficient to determine the clinical significance of the variant at this time. The frequency of this variant in the general population is uninformative in assessment of its pathogenicity. Polyphen and MutationTaster yielded discordant predictions regarding whether this amino acid change is damaging to the protein.

Labcorp Genetics (formerly Invitae), Labcorp
Classification: Uncertain significance. Last evaluated: 2022-02-10. Review status: criteria provided, single submitter. Criteria: Invitae Variant Classification Sherloc (09022015). Collection method: clinical testing. Allele origin: germline.
Comment: This sequence change replaces tyrosine, which is neutral and polar, with cysteine, which is neutral and slightly polar, at codon 989 of the HSPG2 protein (p.Tyr989Cys). This variant is present in population databases (rs565853695, gnomAD 0.01%). This variant has not been reported in the literature in individuals affected with HSPG2-related conditions. ClinVar contains an entry for this variant (Variation ID: 439809). Algorithms developed to predict the effect of missense changes on protein structure and function are either unavailable or do not agree on the potential impact of this missense change (SIFT: "Tolerated"; PolyPhen-2: "Possibly Damaging"; Align-GVGD: "Class C0"). In summary, the available evidence is currently insufficient to determine the role of this variant in disease. Therefore, it has been classified as a Variant of Uncertain Significance.

Ambry Genetics
Classification: Uncertain significance for Inborn genetic diseases. Last evaluated: 2021-05-21. Review status: criteria provided, single submitter. Criteria: Ambry Variant Classification Scheme 2023. Collection method: clinical testing. Allele origin: germline.

GeneDx
Classification: Uncertain significance. Last evaluated: 2017-09-15. Review status: criteria provided, single submitter. Criteria: GeneDx Variant Classification (06012015). Collection method: clinical testing. Allele origin: germline. Affected: yes.
Comment: The Y989C variant in the HSPG2 gene has not been reported previously as a pathogenic variant, nor as a benign variant, to our knowledge. The Y989C variant is not observed at a significant frequency in large population cohorts (Lek et al., 2016; 1000 Genomes Consortium et al., 2015; Exome Variant Server). The Y989C variant is a non-conservative amino acid substitution, which is likely to impact secondary protein structure as these residues differ in polarity, charge, size and/or other properties. This substitution occurs at a position that is conserved in mammals. In silico analysis predicts this variant is probably damaging to the protein structure/function. We interpret Y989C as a variant of uncertain significance.

ARUP Laboratories, Molecular Genetics and Genomics, ARUP Laboratories
Classification: Uncertain significance. Last evaluated: 2017-01-23. Review status: criteria provided, single submitter. Criteria: ARUP Molecular Germline Variant Investigation Process. Collection method: clinical testing. Allele origin: germline.

NM_005529.7(HSPG2):c.2966A>G (p.Tyr989Cys)

Gene: HSPG2 (heparan sulfate proteoglycan 2; minus strand). Cytogenetic location: 1p36.12.
Variant type: single nucleotide variant.
Coding change: c.2966A>G on transcript NM_005529.7 (MANE Select); coding-DNA position 2966, A replaced by G.
Protein change: p.Tyr989Cys; replaces tyrosine 989 with cysteine.
Molecular consequence: missense variant.
Genome position (GRCh38, 1-based): chr1:21,876,266, T>C on the plus strand (A>G on the coding strand, the complement: HSPG2 is on the minus strand). VCF-style: chr1-21876266-T-C. GRCh37 (hg19) VCF-style: chr1-22202759-T-C.
Other names: c.2966A>G (NM_005529.6); c.2969A>G, p.Tyr990Cys (NM_001291860.2); short protein forms Y989C, Y990C.
Identifiers: ClinVar variation 439809 (VCV000439809.15), dbSNP rs565853695, ClinGen allele CA672801.
Genomic context (GRCh38, chr1:21,876,266, plus strand): 5'-TTGCCTTTCCACCCACTACCCACCTTGTCCCCCAGGAAGCGTGAAGGGAGGCTCCAGAAG[T>C]AGGGTCCAGATAAGAGTCTGTGGAAGGAGGAGAATCCCAGTTCCCCGGGCGTGGGGGAGA-3'
Protein context (NP_005520.4, residues 979-999): SSFHRLLSGP[Tyr989Cys]FWSLPSRFLG